The following is an entry in ClinVar:

ClinVar aggregate classification (germline): Conflicting classifications of pathogenicity. Review status: criteria provided, conflicting classifications (1 of 4 stars). 3 submissions from 3 submitters: Likely pathogenic (2); Uncertain significance (1). Last evaluated 2023-12-11.

Conditions:
Hereditary spastic paraplegia 30. Identifiers: Orphanet 101010, MedGen C5235139, MONDO:0012476.
Neuropathy, hereditary sensory, type 2C. Also called: Hereditary sensory and autonomic neuropathy type IIC; KIF1A-Related HSAN2 (HSAN2C). Identifiers: Orphanet 970, MedGen C3280168, MONDO:0013634, OMIM 614213.
Intellectual disability, autosomal dominant 9 (NESCAVS). Also called: NESCAV SYNDROME; KIF1A-Related Neurodevelopmental Disorder. Identifiers: Orphanet 662367, MedGen C5393830, MONDO:0013656, OMIM 614255.

Submissions (3):

GeneDx
Classification: Likely pathogenic. Last evaluated: 2023-12-11. Review status: criteria provided, single submitter. Criteria: GeneDx Variant Classification Process June 2021. Collection method: clinical testing. Allele origin: germline. Affected: yes.
Comment: Not observed at significant frequency in large population cohorts (gnomAD); In silico analysis supports that this missense variant has a deleterious effect on protein structure/function; This variant is associated with the following publications: (PMID: 21376300, 21820098, 26125038, 34782662)

3billion
Classification: Likely pathogenic for Spastic paraplegia 30A, autosomal dominant. Last evaluated: 2023-02-23. Review status: criteria provided, single submitter. Criteria: ACMG Guidelines, 2015. Collection method: clinical testing. Allele origin: unknown. Affected: yes.
Comment: The variant is not observed in the gnomAD v2.1.1 dataset. The variant is located in a mutational hot spot and/or well-established functional domain in which established pathogenic variants have been reported (PMID:31488895). Missense changes are a common disease-causing mechanism. Same nucleotide change resulting in same amino acid change has been previously reported to be associated with KIF1A related disorder (PMID: 34782662). Therefore, this variant is classified as Likely pathogenic according to the recommendation of ACMG/AMP guideline.

Labcorp Genetics (formerly Invitae), Labcorp
Classification: Uncertain significance for Hereditary spastic paraplegia 30; Neuropathy, hereditary sensory, type 2C; Intellectual disability, autosomal dominant 9. Last evaluated: 2022-10-16. Review status: criteria provided, single submitter. Criteria: Invitae Variant Classification Sherloc (09022015). Collection method: clinical testing. Allele origin: germline.
Comment: In summary, the available evidence is currently insufficient to determine the role of this variant in disease. Therefore, it has been classified as a Variant of Uncertain Significance. Algorithms developed to predict the effect of sequence changes on RNA splicing suggest that this variant may create or strengthen a splice site. Advanced modeling of protein sequence and biophysical properties (such as structural, functional, and spatial information, amino acid conservation, physicochemical variation, residue mobility, and thermodynamic stability) performed at Invitae indicates that this missense variant is expected to disrupt KIF1A protein function. ClinVar contains an entry for this variant (Variation ID: 1431889). This variant has not been reported in the literature in individuals affected with KIF1A-related conditions. This variant is not present in population databases (gnomAD no frequency). This sequence change replaces serine, which is neutral and polar, with arginine, which is basic and polar, at codon 51 of the KIF1A protein (p.Ser51Arg).

Literature cited by the submitters: PubMed 31488895 (cited by 3billion); PubMed 34782662 (cited by 3billion).

NM_001244008.2(KIF1A):c.153C>G (p.Ser51Arg)

Gene: KIF1A (kinesin family member 1A; minus strand). Cytogenetic location: 2q37.3.
Variant type: single nucleotide variant.
Coding change: c.153C>G on transcript NM_001244008.2 (MANE Select); coding-DNA position 153, C replaced by G.
Protein change: p.Ser51Arg; replaces serine 51 with arginine.
Molecular consequence: missense variant.
Genome position (GRCh38, 1-based): chr2:240,789,266, G>C on the plus strand (C>G on the coding strand, the complement: KIF1A is on the minus strand). VCF-style: chr2-240789266-G-C. GRCh37 (hg19) VCF-style: chr2-241728683-G-C.
Other names: c.153C>G, p.Ser51Arg (NM_001320705.2, NM_001330289.2, NM_001330290.2 and 20 more transcripts); c.153C>G (NM_004321.6); short protein forms S51R.
Identifiers: ClinVar variation 1431889 (VCV001431889.9), dbSNP rs919187835, ClinGen allele CA68143373.
Genomic context (GRCh38, chr2:240,789,266, plus strand): 5'-CGCCTCCCCCGACCCGGGGTCCCGGCTTACTGAGGTGTGCGACCAGTAGGAGTAGTCAAA[G>C]CTGAAGCTTTTGGGCGTCTCCTTGGGCTGTTTGGGGTTAACAATGGCTGTGGGAGGGAAC-3'
Protein context (NP_001230937.1, residues 41-61): KQPKETPKSF[Ser51Arg]FDYSYWSHTS